The following is an entry in ClinVar:

ClinVar aggregate classification (germline): Likely benign (0 of 4 stars; one submission).

Conditions:
PLXNA3-related disorder. Also called: PLXNA3-related condition.

Allele frequency attached by ClinVar (database versions not stated): TOPMed 0.00005; gnomAD 0.00006.

Submission:

PreventionGenetics, part of Exact Sciences
Classification: Likely benign for PLXNA3-related condition. Last evaluated: 2021-11-30. Review status: no assertion criteria provided. Collection method: clinical testing. Allele origin: germline.
Comment: This variant is classified as likely benign based on ACMG/AMP sequence variant interpretation guidelines (Richards et al. 2015 PMID: 25741868, with internal and published modifications).

NM_017514.5(PLXNA3):c.4023G>A (p.Ala1341=)

Gene: PLXNA3 (plexin A3; plus strand). Cytogenetic location: Xq28.
Variant type: single nucleotide variant.
Coding change: c.4023G>A on transcript NM_017514.5 (MANE Select); coding-DNA position 4023, G replaced by A.
Protein change: p.Ala1341=; no amino-acid change (alanine 1341 retained).
Molecular consequence: synonymous variant.
Genome position (GRCh38, 1-based): chrX:154,468,362, G>A. VCF-style: chrX-154468362-G-A. GRCh37 (hg19) VCF-style: chrX-153696705-G-A.
Identifiers: ClinVar variation 3060775 (VCV003060775.2), dbSNP rs782492457, ClinGen allele CA10564788.